The following is an entry in ClinVar:

ClinVar aggregate classification (germline): Uncertain significance (1 of 4 stars; one submission).

Allele frequency attached by ClinVar (database versions not stated): TOPMed 0.00001.
gnomAD v4.1: 3 of 1,479,922 alleles (0.0002%); highest among the groups gnomAD compares: Non-Finnish European, 0.00018%; no homozygotes.

Submission:

Labcorp Genetics (formerly Invitae), Labcorp
Classification: Uncertain significance. Last evaluated: 2021-12-28. Review status: criteria provided, single submitter. Criteria: Invitae Variant Classification Sherloc (09022015). Collection method: clinical testing. Allele origin: germline.
Comment: In summary, the available evidence is currently insufficient to determine the role of this variant in disease. Therefore, it has been classified as a Variant of Uncertain Significance. Algorithms developed to predict the effect of sequence changes on RNA splicing suggest that this variant may create or strengthen a splice site. Algorithms developed to predict the effect of missense changes on protein structure and function are either unavailable or do not agree on the potential impact of this missense change (SIFT: "Tolerated"; PolyPhen-2: "Not Available"; Align-GVGD: "Class C0"). ClinVar contains an entry for this variant (Variation ID: 577840). This variant has not been reported in the literature in individuals affected with RETREG1-related conditions. This variant is not present in population databases (gnomAD no frequency). This sequence change replaces alanine, which is neutral and non-polar, with valine, which is neutral and non-polar, at codon 23 of the RETREG1 protein (p.Ala23Val).

NM_001034850.3(RETREG1):c.68C>T (p.Ala23Val)

Genes: RETREG1 (reticulophagy regulator 1; minus strand), RETREG1-AS1 (RETREG1 antisense RNA 1; plus strand), LOC129993734 (ATAC-STARR-seq lymphoblastoid silent region 15947; plus strand). Cytogenetic location: 5p15.1.
Variant type: single nucleotide variant.
Coding change: c.68C>T on transcript NM_001034850.3 (MANE Select); coding-DNA position 68, C replaced by T.
Protein change: p.Ala23Val; replaces alanine 23 with valine.
Molecular consequence: missense variant.
Genome position (GRCh38, 1-based): chr5:16,616,904, G>A on the plus strand (C>T on the coding strand, the complement: RETREG1 is on the minus strand). VCF-style: chr5-16616904-G-A. GRCh37 (hg19) VCF-style: chr5-16617013-G-A.
Other names: short protein forms A23V.
Identifiers: ClinVar variation 577840 (VCV000577840.6), dbSNP rs1561141838, ClinGen allele CA359293083.